The following is an entry in ClinVar:

ClinVar aggregate classification (germline): Uncertain significance. Review status: criteria provided, multiple submitters, no conflicts (2 of 4 stars). 2 submissions from 2 submitters: Uncertain significance (2). Last evaluated 2024-03-18.

Conditions:
Inborn genetic diseases. Identifiers: MedGen C0950123, MeSH D030342.

Allele frequency attached by ClinVar (database versions not stated): gnomAD 0.00001; gnomAD exomes 0.00002 and 0.00003; TOPMed 0.00005.
gnomAD v4.1: 14 of 1,613,978 alleles (0.00087%); highest among the groups gnomAD compares: Admixed American, 0.02%; no homozygotes.

Submissions (2):

Ambry Genetics
Classification: Uncertain significance for Inborn genetic diseases. Last evaluated: 2024-03-18. Review status: criteria provided, single submitter. Criteria: Ambry Variant Classification Scheme 2023. Collection method: clinical testing. Allele origin: germline.

Labcorp Genetics (formerly Invitae), Labcorp
Classification: Uncertain significance. Last evaluated: 2022-07-21. Review status: criteria provided, single submitter. Criteria: Invitae Variant Classification Sherloc (09022015). Collection method: clinical testing. Allele origin: germline.
Comment: This sequence change replaces lysine, which is basic and polar, with glutamic acid, which is acidic and polar, at codon 369 of the SKIV2L protein (p.Lys369Glu). This variant is present in population databases (rs781067999, gnomAD 0.02%). This variant has not been reported in the literature in individuals affected with SKIV2L-related conditions. ClinVar contains an entry for this variant (Variation ID: 1371548). Algorithms developed to predict the effect of missense changes on protein structure and function are either unavailable or do not agree on the potential impact of this missense change (SIFT: "Deleterious"; PolyPhen-2: "Probably Damaging"; Align-GVGD: "Class C0"). In summary, the available evidence is currently insufficient to determine the role of this variant in disease. Therefore, it has been classified as a Variant of Uncertain Significance.

NM_006929.5(SKIC2):c.1105A>G (p.Lys369Glu)

Genes: SKIC2 (SKI2 subunit of superkiller complex; plus strand), LOC126859653 (CDK7 strongly-dependent group 2 enhancer GRCh37_chr6:31929542-31930741; plus strand). Cytogenetic location: 6p21.33.
Variant type: single nucleotide variant.
Coding change: c.1105A>G on transcript NM_006929.5 (MANE Select); coding-DNA position 1105, A replaced by G.
Protein change: p.Lys369Glu; replaces lysine 369 with glutamic acid.
Molecular consequence: missense variant.
Genome position (GRCh38, 1-based): chr6:31,962,479, A>G. VCF-style: chr6-31962479-A-G. GRCh37 (hg19) VCF-style: chr6-31930256-A-G.
Other names: c.1105A>G (NM_006929.4); short protein forms K369E.
Identifiers: ClinVar variation 1371548 (VCV001371548.6), dbSNP rs781067999, ClinGen allele CA136906882.